The following is an entry in ClinVar:

ClinVar aggregate classification (germline): Pathogenic (1 of 4 stars; one submission).

Submission:

ISCA site 4
Classification: Pathogenic. Last evaluated: 2011-08-12. Review status: criteria provided, single submitter. Criteria: Kaminsky et al. (Genet Med. 2011). Collection method: clinical testing. Allele origin: unknown. Affected: yes. Observed: 1 variant allele.
Comment: Copy number variation identified through the course of routine clinical cytogenomic testing in postnatal populations. Clinical assertions have been curated as described in Kaminsky et al. 2011.

GRCh38/hg38 3q13.33-21.2(chr3:121644209-125676353)x1

Genes: ADCY5 (adenylate cyclase 5; minus strand), CASR (calcium sensing receptor; plus strand), CCDC14 (coiled-coil domain containing 14; minus strand), CD86 (CD86 molecule; plus strand), CSTA (cystatin A; plus strand) and 180 more. Cytogenetic location: 3q13.33-21.2.
Variant type: copy number loss.
Change: copy number 1 (one copy instead of two) of chr3:121,644,209-125,676,353 (4.03 Mb, GRCh38 coordinates, 1-based), cytogenetic band 3q13.33-21.2.
Identifiers: ClinVar variation 57829 (VCV000057829.1).